The following is an entry in ClinVar:

NM_000525.4(KCNJ11):c.*1037G>T

Gene: KCNJ11 (potassium inwardly rectifying channel subfamily J member 11; minus strand). Cytogenetic location: 11p15.1.
Variant type: single nucleotide variant.
Coding change: c.*1037G>T on transcript NM_000525.4 (MANE Select); 1037 bases downstream of the stop codon, G replaced by T.
Molecular consequence: 3 prime UTR variant.
Genome position (GRCh38, 1-based): chr11:17,385,882, C>A on the plus strand (G>T on the coding strand, the complement: KCNJ11 is on the minus strand). VCF-style: chr11-17385882-C-A. GRCh37 (hg19) VCF-style: chr11-17407429-C-A.
Other names: c.*1037G>T (NM_001166290.2, NM_001377296.1, NM_001377297.1).
Identifiers: ClinVar variation 879076 (VCV000879076.5), dbSNP rs767140617, ClinGen allele CA218398270.
Genomic context (GRCh38, chr11:17,385,882, plus strand): 5'-TTGCTGCCTCCCCAGCAAGAAAAGCCCAGAGTTTAGGTCATGAGGGGGAGGCTTTATTGA[C>A]AACGGAGAAGGCAGAGTTCTAGGCAAGTTCACACAACACTGCTCCAAGGGTCCAGGCACG-3'

ClinVar aggregate classification (germline): Uncertain significance. Review status: criteria provided, multiple submitters, no conflicts (2 of 4 stars). 4 submissions from 2 submitters: Uncertain significance (4). Last evaluated 2018-01-12.

Conditions:
Maturity-onset diabetes of the young type 13. Also called: MODY, TYPE 13. Identifiers: Orphanet 552, MedGen C4225365, MONDO:0014589, OMIM 616329.
Maturity-onset diabetes of the young (MODY). Also called: Maturity onset diabetes mellitus in young. Identifiers: Orphanet 552, MedGen C0342276, MONDO:0018911, HP:0004904.
Diabetes mellitus, transient neonatal, 3 (TNDM3). Identifiers: Orphanet 99886, MedGen C1864623, MONDO:0012522, OMIM 610582. Disease mechanism: loss of function.
Hyperinsulinemic hypoglycemia, familial, 2. Also called: HYPERINSULINEMIC HYPOGLYCEMIA, PERSISTENT; HYPERINSULINISM, NEONATAL. Identifiers: Orphanet 276580, Orphanet 276603, MedGen C2931833, MONDO:0011153, OMIM 601820. Disease mechanism: loss of function.

Allele frequency attached by ClinVar (database versions not stated): 1000 Genomes Project 30x 0.00016; TOPMed 0.00026.

Submissions (4):

Illumina Laboratory Services, Illumina
Classification: Uncertain significance for Hyperinsulinemic hypoglycemia, familial, 2. Last evaluated: 2018-01-12. Review status: criteria provided, single submitter. Criteria: ICSL Variant Classification Criteria 13 December 2019. Collection method: clinical testing. Allele origin: germline.

Illumina Laboratory Services, Illumina
Classification: Uncertain significance for Diabetes mellitus, transient neonatal, 3. Last evaluated: 2018-01-12. Review status: criteria provided, single submitter. Criteria: ICSL Variant Classification Criteria 13 December 2019. Collection method: clinical testing. Allele origin: germline.

Illumina Laboratory Services, Illumina
Classification: Uncertain significance for Maturity-onset diabetes of the young type 13. Last evaluated: 2018-01-12. Review status: criteria provided, single submitter. Criteria: ICSL Variant Classification Criteria 13 December 2019. Collection method: clinical testing. Allele origin: germline.

Clinical Genomics, Uppaluri K&H Personalized Medicine Clinic
Classification: Uncertain significance for Maturity-onset diabetes of the young. Review status: criteria provided, single submitter. Criteria: K&H Uppaluri Personalized Medicine Clinic Variant Classification & Assertion Criteria. Collection method: research. Allele origin: somatic. Inheritance: Autosomal dominant inheritance.
Comment: Mutations in KCNJ11 gene can cause decreased production and secretion of insulin. This can lead to MODY which may be responsive to oral sulfonylureas. It is also associated with Neonatal Diabetes. However, no sufficient evidence is found to ascertain the role of rs767140617 variant in MODY yet.

Literature cited by the submitters: PubMed 26448950 (cited by Clinical Genomics, Uppaluri K&H Personalized Medicine Clinic); PubMed 15580558 (cited by Clinical Genomics, Uppaluri K&H Personalized Medicine Clinic); PubMed 15718250 (cited by Clinical Genomics, Uppaluri K&H Personalized Medicine Clinic); PubMed 32935446 (cited by Clinical Genomics, Uppaluri K&H Personalized Medicine Clinic); PubMed 22701567 (cited by Clinical Genomics, Uppaluri K&H Personalized Medicine Clinic).